The following is an entry in ClinVar:

ClinVar aggregate classification (germline): Conflicting classifications of pathogenicity. Review status: criteria provided, conflicting classifications (1 of 4 stars). 3 submissions from 1 submitter: Uncertain significance (2); Benign (1). Last evaluated 2018-01-13.

Conditions:
Hereditary spherocytosis type 4. Also called: SLC4A1-Related Spherocytosis. Identifiers: Orphanet 822, MedGen C2675212, MONDO:0012981, OMIM 612653.
Autosomal dominant distal renal tubular acidosis (DRTA1). Also called: RTA, CLASSIC TYPE; RTA, DISTAL TYPE, AUTOSOMAL DOMINANT; RTA, GRADIENT TYPE; Renal Tubular Acidosis, Type I; RENAL TUBULAR ACIDOSIS, DISTAL, 1. Identifiers: Orphanet 93608, MedGen CN280572, MONDO:0008368, OMIM 179800.
Hemolytic anemia. Identifiers: MedGen C0002878, MONDO:0003664, HP:0001878.

Allele frequency attached by ClinVar (database versions not stated): gnomAD 0.00006 and 0.00012; gnomAD exomes 0.00008 and 0.00017; TOPMed 0.00015; 1000 Genomes Project 30x 0.00094; 1000 Genomes Project 0.00100.
gnomAD v4.1: 36 of 381,360 alleles (0.0094%); highest among the groups gnomAD compares: East Asian, 0.3%; no homozygotes.

Submissions (3):

Illumina Laboratory Services, Illumina
Classification: Benign for Autosomal dominant distal renal tubular acidosis. Last evaluated: 2018-01-13. Review status: criteria provided, single submitter. Criteria: ICSL Variant Classification Criteria 13 December 2019. Collection method: clinical testing. Allele origin: germline.
Comment: This variant was observed in the ICSL laboratory as part of a predisposition screen in an ostensibly healthy population. It had not been previously curated by ICSL or reported in the Human Gene Mutation Database (HGMD: prior to June 1st, 2018), and was therefore a candidate for classification through an automated scoring system. Utilizing variant allele frequency, disease prevalence and penetrance estimates, and inheritance mode, an automated score was calculated to assess if this variant is too frequent to cause the disease. Based on the score and internal cut-off values, a variant classified as benign is not then subjected to further curation. The score for this variant resulted in a classification of benign for this disease.

Illumina Laboratory Services, Illumina
Classification: Uncertain significance for Hereditary spherocytosis type 4. Last evaluated: 2018-01-13. Review status: criteria provided, single submitter. Criteria: ICSL Variant Classification Criteria 13 December 2019. Collection method: clinical testing. Allele origin: germline.

Illumina Laboratory Services, Illumina
Classification: Uncertain significance for Hemolytic anemia. Last evaluated: 2018-01-13. Review status: criteria provided, single submitter. Criteria: ICSL Variant Classification Criteria 13 December 2019. Collection method: clinical testing. Allele origin: germline.

NM_000342.4(SLC4A1):c.*1393A>T

Gene: SLC4A1 (solute carrier family 4 member 1 (Diego blood group); minus strand). Cytogenetic location: 17q21.31.
Variant type: single nucleotide variant.
Coding change: c.*1393A>T on transcript NM_000342.4 (MANE Select); 1393 bases downstream of the stop codon, A replaced by T.
Molecular consequence: 3 prime UTR variant.
Genome position (GRCh38, 1-based): chr17:44,249,065, T>A on the plus strand (A>T on the coding strand, the complement: SLC4A1 is on the minus strand). VCF-style: chr17-44249065-T-A. GRCh37 (hg19) VCF-style: chr17-42326433-T-A.
Identifiers: ClinVar variation 891315 (VCV000891315.4), dbSNP rs139308660, ClinGen allele CA290923988.